The following is an entry in ClinVar:

ClinVar aggregate classification (germline): Uncertain significance (1 of 4 stars; one submission).

Conditions:
Hereditary diffuse gastric adenocarcinoma (HDGC). Also called: DIFFUSE GASTRIC AND LOBULAR BREAST CANCER SYNDROME. Identifiers: Orphanet 26106, MedGen C1708349, MONDO:0007648, OMIM 137215.

Submission:

European Reference Network on Genetic Tumour Risk Syndromes (ERN-GENTURIS), i3s - Instituto de Investigação e Inovação em Saúde, University of Porto
Classification: Uncertain significance for Hereditary diffuse gastric adenocarcinoma. Last evaluated: 2022-08-01. Review status: criteria provided, single submitter. Criteria: Lee et al. (Hum Mutat. 2018). Collection method: clinical testing. Allele origin: germline. Inheritance: Autosomal dominant inheritance. Affected: no. Study: ERN GENTURIS.
Comment: PM2 (PMID: 30311375)

Literature cited by the submitters: PubMed 36436516.

NM_004360.5(CDH1):c.1222G>T (p.Ala408Ser)

Gene: CDH1 (cadherin 1; plus strand). Cytogenetic location: 16q22.1.
Variant type: single nucleotide variant.
Coding change: c.1222G>T on transcript NM_004360.5 (MANE Select); coding-DNA position 1222, G replaced by T.
Protein change: p.Ala408Ser; replaces alanine 408 with serine.
Molecular consequence: missense variant. On other transcripts: 5 prime UTR variant (2), intron variant (1).
Genome position (GRCh38, 1-based): chr16:68,813,397, G>T. VCF-style: chr16-68813397-G-T. GRCh37 (hg19) VCF-style: chr16-68847300-G-T.
Other names: c.-394G>T (NM_001317185.2); c.-598G>T (NM_001317186.2); c.1137+1134G>T (NM_001317184.2); short protein forms A408S.
Identifiers: ClinVar variation 2502944 (VCV002502944.1), dbSNP rs1960894869, ClinGen allele CA396461378.